The following is an entry in ClinVar:

ClinVar aggregate classification (germline): Pathogenic (1 of 4 stars; one submission).

Conditions:
Inborn genetic diseases. Identifiers: MedGen C0950123, MeSH D030342.

Submission:

Ambry Genetics
Classification: Pathogenic for Inborn genetic diseases. Last evaluated: 2023-02-15. Review status: criteria provided, single submitter. Criteria: Ambry Variant Classification Scheme 2023. Collection method: clinical testing. Allele origin: germline.
Comment: The c.1745G>A (p.W582*) alteration, located in exon 5 (coding exon 4) of the BRPF1 gene, consists of a G to A substitution at nucleotide position 1745. This changes the amino acid from a tryptophan (W) to a stop codon at amino acid position 582. This alteration is expected to result in loss of function by premature protein truncation or nonsense-mediated mRNA decay. This variant was not reported in population-based cohorts in the Genome Aggregation Database (gnomAD). Based on the available evidence, this alteration is classified as pathogenic.

NM_001003694.2(BRPF1):c.1745G>A (p.Trp582Ter)

Gene: BRPF1 (bromodomain and PHD finger containing 1; plus strand). Cytogenetic location: 3p25.3.
Variant type: single nucleotide variant.
Coding change: c.1745G>A on transcript NM_001003694.2 (MANE Select); coding-DNA position 1745, G replaced by A.
Protein change: p.Trp582Ter; replaces tryptophan 582 with a stop codon.
Molecular consequence: nonsense. On other transcripts: non-coding transcript variant (1).
Genome position (GRCh38, 1-based): chr3:9,741,330, G>A. VCF-style: chr3-9741330-G-A. GRCh37 (hg19) VCF-style: chr3-9783014-G-A.
Other names: c.1745G>A, p.Trp582Ter (NM_001319049.2, NM_001319050.2, NM_001410704.1 and 1 more transcripts); short protein forms W582*.
Identifiers: ClinVar variation 2479150 (VCV002479150.2), dbSNP rs2471485111, ClinGen allele CA351690667.